The following is an entry in ClinVar:

ClinVar aggregate classification (germline): Uncertain significance (1 of 4 stars; one submission).

Conditions:
Inborn genetic diseases. Identifiers: MedGen C0950123, MeSH D030342.

gnomAD v4.1: 11 of 1,612,138 alleles (0.00068%); highest among the groups gnomAD compares: African/African-American, 0.0013%; no homozygotes.

Submission:

Ambry Genetics
Classification: Uncertain significance for Inborn genetic diseases. Last evaluated: 2025-05-11. Review status: criteria provided, single submitter. Criteria: Ambry Variant Classification Scheme 2023. Collection method: clinical testing. Allele origin: germline.
Comment: The p.P650Q variant (also known as c.1949C>A), located in coding exon 22 of the RTEL1 gene, results from a C to A substitution at nucleotide position 1949. The proline at codon 650 is replaced by glutamine, an amino acid with similar properties. This amino acid position is conserved. In addition, this alteration is predicted to be deleterious by in silico analysis. Based on the available evidence, the clinical significance of this variant remains unclear.

NM_001283009.2(RTEL1):c.1949C>A (p.Pro650Gln)

Genes: RTEL1 (regulator of telomere elongation helicase 1; plus strand), RTEL1-TNFRSF6B (RTEL1-TNFRSF6B readthrough (NMD candidate); plus strand). Cytogenetic location: 20q13.33.
Variant type: single nucleotide variant.
Coding change: c.1949C>A on transcript NM_001283009.2 (MANE Select); coding-DNA position 1949, C replaced by A.
Protein change: p.Pro650Gln; replaces proline 650 with glutamine.
Molecular consequence: missense variant. On other transcripts: non-coding transcript variant (1).
Genome position (GRCh38, 1-based): chr20:63,689,572, C>A. VCF-style: chr20-63689572-C-A. GRCh37 (hg19) VCF-style: chr20-62320925-C-A.
Other names: c.1280C>A, p.Pro427Gln (NM_001283010.1); c.1949C>A, p.Pro650Gln (NM_016434.4); c.2021C>A, p.Pro674Gln (NM_032957.5); short protein forms P650Q, P674Q, P427Q.
Identifiers: ClinVar variation 3948387 (VCV003948387.1).